The following is an entry in ClinVar:

ClinVar aggregate classification (germline): Benign/Likely benign. Review status: criteria provided, multiple submitters, no conflicts (2 of 4 stars). 4 submissions from 4 submitters: Benign (2); Likely benign (2). Last evaluated 2026-07-01.

Allele frequency attached by ClinVar (database versions not stated): 1000 Genomes Project 0.00020; 1000 Genomes Project 30x 0.00031; ESP Exome Variant Server 0.00062; gnomAD 0.00065 and 0.00069; TOPMed 0.00079; gnomAD exomes 0.00085 and 0.00094; ExAC 0.00100.
gnomAD v4.1: 1,351 of 1,614,056 alleles (0.084%); highest among the groups gnomAD compares: Middle Eastern, 0.69%; 3 homozygotes.

Submissions (4):

CeGaT Center for Human Genetics Tuebingen
Classification: Likely benign. Last evaluated: 2026-07-01. Review status: criteria provided, single submitter. Criteria: CeGaT Center For Human Genetics Tuebingen Variant Classification Criteria Version 2. Collection method: clinical testing. Allele origin: germline. Affected: yes. Observed: 1 variant allele.
Comment: CELSR1: BP4, BP7

Blueprint Genetics
Classification: Likely benign. Last evaluated: 2024-11-21. Review status: criteria provided, single submitter. Criteria: ACMG Guidelines, 2015. Collection method: clinical testing. Allele origin: germline.

Labcorp Genetics (formerly Invitae), Labcorp
Classification: Benign. Last evaluated: 2017-09-07. Review status: criteria provided, single submitter. Criteria: Invitae Variant Classification Sherloc (09022015). Collection method: clinical testing. Allele origin: germline.

Breakthrough Genomics
Classification: Benign. Review status: criteria provided, single submitter. Criteria: ACMG Guidelines, 2015. Collection method: not provided. Allele origin: germline. Inheritance: Autosomal dominant inheritance. Affected: yes.

NM_001378328.1(CELSR1):c.5310C>T (p.Thr1770=)

Gene: CELSR1 (cadherin EGF LAG seven-pass G-type receptor 1; minus strand). Cytogenetic location: 22q13.31.
Variant type: single nucleotide variant.
Coding change: c.5310C>T on transcript NM_001378328.1 (MANE Select); coding-DNA position 5310, C replaced by T.
Protein change: p.Thr1770=; no amino-acid change (threonine 1770 retained).
Molecular consequence: synonymous variant.
Genome position (GRCh38, 1-based): chr22:46,399,819, G>A on the plus strand (C>T on the coding strand, the complement: CELSR1 is on the minus strand). VCF-style: chr22-46399819-G-A. GRCh37 (hg19) VCF-style: chr22-46795716-G-A.
Other names: c.5310C>T, p.Thr1770= (NM_014246.4).
Identifiers: ClinVar variation 708965 (VCV000708965.6), dbSNP rs144157544, ClinGen allele CA10294299.